The following is an entry in ClinVar:

NM_004329.3(BMPR1A):c.376C>T (p.Arg126Trp)

Gene: BMPR1A (bone morphogenetic protein receptor type 1A; plus strand). Cytogenetic location: 10q23.2.
Variant type: single nucleotide variant.
Coding change: c.376C>T on transcript NM_004329.3 (MANE Select); coding-DNA position 376, C replaced by T.
Protein change: p.Arg126Trp; replaces arginine 126 with tryptophan.
Molecular consequence: missense variant.
Genome position (GRCh38, 1-based): chr10:86,899,836, C>T. VCF-style: chr10-86899836-C-T. GRCh37 (hg19) VCF-style: chr10-88659593-C-T.
Other names: short protein forms R126W.
Identifiers: ClinVar variation 482844 (VCV000482844.12), dbSNP rs781258592, ClinGen allele CA5585498.
Genomic context (GRCh38, chr10:86,899,836, plus strand): 5'-TCATTACTCTTCTTTTAGGATTCTCCAAAAGCCCAGCTACGCCGGACAATAGAATGTTGT[C>T]GGACCAATTTATGTAACCAGTATTTGCAACCCACACTGCCCCCTGTTGTCATAGGTAGGT-3'
Protein context (NP_004320.2, residues 116-136): AQLRRTIECC[Arg126Trp]TNLCNQYLQP

ClinVar aggregate classification (germline): Uncertain significance. Review status: criteria provided, multiple submitters, no conflicts (2 of 4 stars). 3 submissions from 3 submitters: Uncertain significance (3). Last evaluated 2025-07-29.

Conditions:
Juvenile polyposis syndrome (JPS). Identifiers: Orphanet 2929, MedGen C0345893, MONDO:0017380, OMIM 174900.
Hereditary cancer-predisposing syndrome. Also called: Hereditary neoplastic syndrome; Neoplastic Syndromes, Hereditary; Tumor predisposition; Hereditary Cancer Syndrome. Identifiers: Orphanet 140162, MedGen C0027672, MeSH D009386, MONDO:0015356.

Allele frequency attached by ClinVar (database versions not stated): gnomAD exomes below 0.00001; ExAC 0.00001.
gnomAD v4.1: 4 of 1,614,146 alleles (0.00025%); highest among the groups gnomAD compares: East Asian, 0.0022%; no homozygotes.

Submissions (3):

Ambry Genetics
Classification: Uncertain significance for Hereditary cancer-predisposing syndrome. Last evaluated: 2025-07-29. Review status: criteria provided, single submitter. Criteria: Ambry Variant Classification Scheme 2023. Collection method: clinical testing. Allele origin: germline.
Comment: The p.R126W variant (also known as c.376C>T), located in coding exon 4 of the BMPR1A gene, results from a C to T substitution at nucleotide position 376. The arginine at codon 126 is replaced by tryptophan, an amino acid with dissimilar properties. This amino acid position is well conserved in available vertebrate species. In addition, the in silico prediction for this alteration is inconclusive. Since supporting evidence is limited at this time, the clinical significance of this alteration remains unclear.

Labcorp Genetics (formerly Invitae), Labcorp
Classification: Uncertain significance for Juvenile polyposis syndrome. Last evaluated: 2023-04-28. Review status: criteria provided, single submitter. Criteria: Invitae Variant Classification Sherloc (09022015). Collection method: clinical testing. Allele origin: germline.
Comment: ClinVar contains an entry for this variant (Variation ID: 482844). This variant has not been reported in the literature in individuals affected with BMPR1A-related conditions. This variant is present in population databases (rs781258592, gnomAD 0.006%). This sequence change replaces arginine, which is basic and polar, with tryptophan, which is neutral and slightly polar, at codon 126 of the BMPR1A protein (p.Arg126Trp). Advanced modeling of protein sequence and biophysical properties (such as structural, functional, and spatial information, amino acid conservation, physicochemical variation, residue mobility, and thermodynamic stability) performed at Invitae indicates that this missense variant is not expected to disrupt BMPR1A protein function. In summary, the available evidence is currently insufficient to determine the role of this variant in disease. Therefore, it has been classified as a Variant of Uncertain Significance.

GeneDx
Classification: Uncertain significance. Last evaluated: 2019-12-26. Review status: criteria provided, single submitter. Criteria: GeneDx Variant Classification Process June 2021. Collection method: clinical testing. Allele origin: germline. Affected: yes.
Comment: Has not been previously published as pathogenic or benign to our knowledge; Not observed at a significant frequency in large population cohorts (Lek 2016); In silico analysis, which includes protein predictors and evolutionary conservation, supports that this variant does not alter protein structure/function